The following is an entry in ClinVar:

NM_001170629.2(CHD8):c.2171T>C (p.Val724Ala)

Gene: CHD8 (chromodomain helicase DNA binding protein 8; minus strand). Cytogenetic location: 14q11.2.
Variant type: single nucleotide variant.
Coding change: c.2171T>C on transcript NM_001170629.2 (MANE Select); coding-DNA position 2171, T replaced by C.
Protein change: p.Val724Ala; replaces valine 724 with alanine.
Molecular consequence: missense variant.
Genome position (GRCh38, 1-based): chr14:21,412,968, A>G on the plus strand (T>C on the coding strand, the complement: CHD8 is on the minus strand). VCF-style: chr14-21412968-A-G. GRCh37 (hg19) VCF-style: chr14-21881127-A-G.
Other names: c.1334T>C, p.Val445Ala (NM_020920.4); short protein forms V445A, V724A.
Identifiers: ClinVar variation 3627412 (VCV003627412.2).

ClinVar aggregate classification (germline): Uncertain significance (1 of 4 stars; one submission).

Submission:

Labcorp Genetics (formerly Invitae), Labcorp
Classification: Uncertain significance. Last evaluated: 2024-10-17. Review status: criteria provided, single submitter. Criteria: Invitae Variant Classification Sherloc (09022015). Collection method: clinical testing. Allele origin: germline.
Comment: This sequence change replaces valine, which is neutral and non-polar, with alanine, which is neutral and non-polar, at codon 724 of the CHD8 protein (p.Val724Ala). This variant is not present in population databases (gnomAD no frequency). This variant has not been reported in the literature in individuals affected with CHD8-related conditions. Invitae Evidence Modeling of protein sequence and biophysical properties (such as structural, functional, and spatial information, amino acid conservation, physicochemical variation, residue mobility, and thermodynamic stability) indicates that this missense variant is not expected to disrupt CHD8 protein function with a negative predictive value of 95%. In summary, the available evidence is currently insufficient to determine the role of this variant in disease. Therefore, it has been classified as a Variant of Uncertain Significance.